The following is an entry in ClinVar:

ClinVar aggregate classification (germline): Uncertain significance (1 of 4 stars; one submission).

Conditions:
Cardiovascular phenotype. Identifiers: MedGen CN230736.

Submission:

Ambry Genetics
Classification: Uncertain significance for Cardiovascular phenotype. Last evaluated: 2023-02-06. Review status: criteria provided, single submitter. Criteria: Ambry Variant Classification Scheme 2023. Collection method: clinical testing. Allele origin: germline.
Comment: The p.Q464* variant (also known as c.1390C>T), located in coding exon 10 of the NEXN gene, results from a C to T substitution at nucleotide position 1390. This changes the amino acid from a glutamine to a stop codon within coding exon 10. This alteration is expected to result in loss of function by premature protein truncation or nonsense-mediated mRNA decay. Although biallelic loss of function alterations in NEXN have been associated with autosomal recessive NEXN-related cardiomyopathy, haploinsufficiency for NEXN has not been clearly established as a mechanism of disease for autosomal dominant NEXN-related cardiomyopathy. Since supporting evidence is limited at this time, the clinical significance of this alteration remains unclear.

NM_144573.4(NEXN):c.1390C>T (p.Gln464Ter)

Gene: NEXN (nexilin F-actin binding protein; plus strand). Cytogenetic location: 1p31.1.
Variant type: single nucleotide variant.
Coding change: c.1390C>T on transcript NM_144573.4 (MANE Select); coding-DNA position 1390, C replaced by T.
Protein change: p.Gln464Ter; replaces glutamine 464 with a stop codon.
Molecular consequence: nonsense.
Genome position (GRCh38, 1-based): chr1:77,935,961, C>T. VCF-style: chr1-77935961-C-T. GRCh37 (hg19) VCF-style: chr1-78401646-C-T.
Other names: c.1198C>T, p.Gln400Ter (NM_001172309.2); short protein forms Q400*, Q464*.
Identifiers: ClinVar variation 1771542 (VCV001771542.3), dbSNP rs2523265116, ClinGen allele CA340879189.